The following is an entry in ClinVar:

ClinVar aggregate classification (germline): Uncertain significance. Review status: criteria provided, multiple submitters, no conflicts (2 of 4 stars). 3 submissions from 3 submitters: Uncertain significance (3). Last evaluated 2025-07-21.

Conditions:
Pityriasis rubra pilaris (PRP). Also called: Pityriasis rubra pilaris--familial type. Identifiers: Orphanet 2897, MedGen C0032027, MONDO:0100017, OMIM 173200, MONDO:0008251.
Psoriasis 2. Identifiers: MedGen C1864497, MONDO:0011269, OMIM 602723.
CARD14-related disorder. Also called: CARD14-related condition.
Inborn genetic diseases. Identifiers: MedGen C0950123, MeSH D030342.

Allele frequency attached by ClinVar (database versions not stated): gnomAD 0.00001; gnomAD exomes 0.00001 and 0.00002; ExAC 0.00002; TOPMed 0.00003; ESP Exome Variant Server 0.00008.
gnomAD v4.1: 12 of 1,613,172 alleles (0.00074%); highest among the groups gnomAD compares: African/African-American, 0.004%; no homozygotes.

Submissions (3):

Labcorp Genetics (formerly Invitae), Labcorp
Classification: Uncertain significance for Pityriasis rubra pilaris; Psoriasis 2. Last evaluated: 2025-07-21. Review status: criteria provided, single submitter. Criteria: Invitae Variant Classification Sherloc (09022015). Collection method: clinical testing. Allele origin: germline.
Comment: This sequence change replaces glycine, which is neutral and non-polar, with serine, which is neutral and polar, at codon 587 of the CARD14 protein (p.Gly587Ser). This variant is present in population databases (rs146855402, gnomAD 0.007%). This variant has not been reported in the literature in individuals affected with CARD14-related conditions. ClinVar contains an entry for this variant (Variation ID: 458089). Invitae Evidence Modeling of protein sequence and biophysical properties (such as structural, functional, and spatial information, amino acid conservation, physicochemical variation, residue mobility, and thermodynamic stability) has been performed for this missense variant. However, the output from this modeling did not meet the statistical confidence thresholds required to predict the impact of this variant on CARD14 protein function. In summary, the available evidence is currently insufficient to determine the role of this variant in disease. Therefore, it has been classified as a Variant of Uncertain Significance.

Ambry Genetics
Classification: Uncertain significance for Inborn genetic diseases. Last evaluated: 2025-06-29. Review status: criteria provided, single submitter. Criteria: Ambry Variant Classification Scheme 2023. Collection method: clinical testing. Allele origin: germline.

PreventionGenetics, part of Exact Sciences
Classification: Uncertain significance for CARD14-related condition. Last evaluated: 2023-06-02. Review status: criteria provided, single submitter. Criteria: ACMG Guidelines, 2015. Collection method: clinical testing. Allele origin: germline.
Comment: The CARD14 c.1759G>A variant is predicted to result in the amino acid substitution p.Gly587Ser. To our knowledge, this variant has not been reported in the literature. This variant is reported in 0.012% of alleles in individuals of African descent in gnomAD. At this time, the clinical significance of this variant is uncertain due to the absence of conclusive functional and genetic evidence.

NM_001366385.1(CARD14):c.1759G>A (p.Gly587Ser)

Gene: CARD14 (caspase recruitment domain family member 14; plus strand). Cytogenetic location: 17q25.3.
Variant type: single nucleotide variant.
Coding change: c.1759G>A on transcript NM_001366385.1 (MANE Select); coding-DNA position 1759, G replaced by A.
Protein change: p.Gly587Ser; replaces glycine 587 with serine.
Molecular consequence: missense variant. On other transcripts: non-coding transcript variant (1).
Genome position (GRCh38, 1-based): chr17:80,198,499, G>A. VCF-style: chr17-80198499-G-A. GRCh37 (hg19) VCF-style: chr17-78172298-G-A.
Other names: c.1759G>A (NM_024110.3); c.1759G>A, p.Gly587Ser (NM_024110.4, NM_001257970.1); c.1048G>A, p.Gly350Ser (NM_052819.3); short protein forms G587S, G350S.
Identifiers: ClinVar variation 458089 (VCV000458089.10), dbSNP rs146855402, ClinGen allele CA8816977.
Genomic context (GRCh38, chr17:80,198,499, plus strand): 5'-AGCCAGGTCACCATGCTGGCGTTCCAGGGGGATGCATTGCTGGAGCAGATCAGCGTCATC[G>A]GCGGGAACCTCACGGGCATCTTCATCCACCGGGTCACCCCGGGCTCGGCGGCGGACCAGA-3'
Protein context (NP_001353314.1, residues 577-597): DALLEQISVI[Gly587Ser]GNLTGIFIHR